The following is an entry in ClinVar:

ClinVar aggregate classification (germline): Pathogenic (1 of 4 stars; one submission).

Conditions:
Beckwith-Wiedemann syndrome (BWS). Also called: EMG SYNDROME; Exomphalos macroglossia gigantism syndrome. Identifiers: Orphanet 116, MedGen C0004903, MONDO:0007534, OMIM 130650.

Submission:

Labcorp Genetics (formerly Invitae), Labcorp
Classification: Pathogenic for Beckwith-Wiedemann syndrome. Last evaluated: 2023-07-17. Review status: criteria provided, single submitter. Criteria: Invitae Variant Classification Sherloc (09022015). Collection method: clinical testing. Allele origin: germline.
Comment: ClinVar contains an entry for this variant (Variation ID: 1072486). This variant has not been reported in the literature in individuals affected with CDKN1C-related conditions. This variant is not present in population databases (gnomAD no frequency). This sequence change creates a premature translational stop signal (p.Trp79*) in the CDKN1C gene. It is expected to result in an absent or disrupted protein product. Loss-of-function variants in CDKN1C are known to be pathogenic (PMID: 20503313). For these reasons, this variant has been classified as Pathogenic.

Literature cited by the submitters: PubMed 20503313.

NM_001122630.2(CDKN1C):c.203G>A (p.Trp68Ter)

Gene: CDKN1C (cyclin dependent kinase inhibitor 1C; minus strand). Cytogenetic location: 11p15.4.
Variant type: single nucleotide variant.
Coding change: c.203G>A on transcript NM_001122630.2 (MANE Select); coding-DNA position 203, G replaced by A.
Protein change: p.Trp68Ter; replaces tryptophan 68 with a stop codon.
Molecular consequence: nonsense.
Genome position (GRCh38, 1-based): chr11:2,885,254, C>T on the plus strand (G>A on the coding strand, the complement: CDKN1C is on the minus strand). VCF-style: chr11-2885254-C-T. GRCh37 (hg19) VCF-style: chr11-2906484-C-T.
Other names: c.236G>A, p.Trp79Ter (NM_000076.2, NM_001362474.2); c.203G>A, p.Trp68Ter (NM_001122631.2, NM_001362475.2); short protein forms W68*, W79*.
Identifiers: ClinVar variation 1072486 (VCV001072486.7), dbSNP rs1379762772, ClinGen allele CA379147291.